The following is an entry in ClinVar:

ClinVar aggregate classification (germline): Conflicting classifications of pathogenicity. Review status: criteria provided, conflicting classifications (1 of 4 stars). 4 submissions from 4 submitters: Uncertain significance (3); Likely benign (1). Last evaluated 2025-07-02.

Conditions:
Aortic aneurysm, familial thoracic 10 (AAT10). Identifiers: MedGen C4284414, MONDO:0014950, OMIM 617168.
Cardiovascular phenotype. Identifiers: MedGen CN230736.

Allele frequency attached by ClinVar (database versions not stated): ExAC 0.00003; ESP Exome Variant Server 0.00008; gnomAD 0.00002; gnomAD exomes 0.00002; TOPMed 0.00002.
gnomAD v4.1: 39 of 1,476,934 alleles (0.0026%); highest among the groups gnomAD compares: Non-Finnish European, 0.0028%; no homozygotes.

Submissions (4):

Labcorp Genetics (formerly Invitae), Labcorp
Classification: Uncertain significance. Last evaluated: 2025-07-02. Review status: criteria provided, single submitter. Criteria: Invitae Variant Classification Sherloc (09022015). Collection method: clinical testing. Allele origin: germline.
Comment: This sequence change replaces glycine, which is neutral and non-polar, with arginine, which is basic and polar, at codon 11 of the LOX protein (p.Gly11Arg). This variant is present in population databases (rs370627614, gnomAD 0.003%). This variant has not been reported in the literature in individuals affected with LOX-related conditions. ClinVar contains an entry for this variant (Variation ID: 1188568). Invitae Evidence Modeling of protein sequence and biophysical properties (such as structural, functional, and spatial information, amino acid conservation, physicochemical variation, residue mobility, and thermodynamic stability) indicates that this missense variant is not expected to disrupt LOX protein function with a negative predictive value of 95%. In summary, the available evidence is currently insufficient to determine the role of this variant in disease. Therefore, it has been classified as a Variant of Uncertain Significance.

ARUP Laboratories, Molecular Genetics and Genomics, ARUP Laboratories
Classification: Uncertain significance for Aortic aneurysm, familial thoracic 10. Last evaluated: 2025-05-20. Review status: criteria provided, single submitter. Criteria: ARUP Molecular Germline Variant Investigation Process 2024. Collection method: clinical testing. Allele origin: germline.
Comment: The LOX c.31G>C; p.Gly11Arg variant (rs370627614), to our knowledge, is not reported in the medical literature but is reported in ClinVar (Variation ID: 1188568). This variant is only observed on two alleles in the Genome Aggregation Database (v2.1.1), indicating it is not a common polymorphism. Computational analyses predict that this variant is neutral (REVEL: 0.095). Due to limited information, the clinical significance of this variant is uncertain at this time.

Ambry Genetics
Classification: Likely benign for Cardiovascular phenotype. Last evaluated: 2024-07-06. Review status: criteria provided, single submitter. Criteria: Ambry Variant Classification Scheme 2023. Collection method: clinical testing. Allele origin: germline.

GeneDx
Classification: Uncertain significance. Last evaluated: 2019-04-15. Review status: criteria provided, single submitter. Criteria: GeneDx Variant Classification Process June 2021. Collection method: clinical testing. Allele origin: germline. Affected: yes.
Comment: Not observed at a significant frequency in large population cohorts (Lek et al., 2016); In silico analysis, which includes protein predictors and evolutionary conservation, supports that this variant does not alter protein structure/function; Has not been previously published as pathogenic or benign to our knowledge

NM_002317.7(LOX):c.31G>C (p.Gly11Arg)

Genes: LOX (lysyl oxidase; minus strand), SRFBP1 (serum response factor binding protein 1; plus strand). Cytogenetic location: 5q23.1.
Variant type: single nucleotide variant.
Coding change: c.31G>C on transcript NM_002317.7 (MANE Select); coding-DNA position 31, G replaced by C.
Protein change: p.Gly11Arg; replaces glycine 11 with arginine.
Molecular consequence: missense variant.
Genome position (GRCh38, 1-based): chr5:122,077,955, C>G on the plus strand (G>C on the coding strand, the complement: LOX is on the minus strand). VCF-style: chr5-122077955-C-G. GRCh37 (hg19) VCF-style: chr5-121413650-C-G.
Other names: short protein forms G11R.
Identifiers: ClinVar variation 1188568 (VCV001188568.12), dbSNP rs370627614, ClinGen allele CA3384144.